The following is an entry in ClinVar:

NM_002439.5(MSH3):c.2776G>T (p.Glu926Ter)

Gene: MSH3 (mutS homolog 3; plus strand). Cytogenetic location: 5q14.1.
Variant type: single nucleotide variant.
Coding change: c.2776G>T on transcript NM_002439.5 (MANE Select); coding-DNA position 2776, G replaced by T.
Protein change: p.Glu926Ter; replaces glutamic acid 926 with a stop codon.
Molecular consequence: nonsense.
Genome position (GRCh38, 1-based): chr5:80,813,704, G>T. VCF-style: chr5-80813704-G-T. GRCh37 (hg19) VCF-style: chr5-80109523-G-T.
Other names: short protein forms E926*.
Identifiers: ClinVar variation 3254366 (VCV003254366.2), dbSNP rs760629540.

ClinVar aggregate classification (germline): Conflicting classifications of pathogenicity. Review status: criteria provided, conflicting classifications (1 of 4 stars). 2 submissions from 2 submitters: Pathogenic (1); Uncertain significance (1). Last evaluated 2024-04-09.

Conditions:
Familial adenomatous polyposis 4 (FAP4). Also called: MSH3-related attenuated familial adenomatous polyposis. Identifiers: Orphanet 480536, MedGen C4310719, MONDO:0044300, OMIM 617100.

Submissions (2):

Myriad Genetics, Inc.
Classification: Pathogenic for Familial adenomatous polyposis 4. Last evaluated: 2024-04-09. Review status: criteria provided, single submitter. Criteria: Myriad Autosomal Dominant, Autosomal Recessive and X-Linked Classification Criteria (2023). Collection method: clinical testing. Allele origin: unknown.
Comment: This variant is considered pathogenic. This variant creates a termination codon and is predicted to result in premature protein truncation.

Blueprint Genetics
Classification: Uncertain significance. Last evaluated: 2021-02-02. Review status: criteria provided, single submitter. Criteria: ACMG Guidelines, 2015. Collection method: clinical testing. Allele origin: germline.